The following is an entry in ClinVar:

NC_000017.10:g.(?_17927918)_(17928038_?)del

Gene: ATPAF2 (ATP synthase mitochondrial F1 complex assembly factor 2; minus strand). Cytogenetic location: 17p11.2.
Variant type: Deletion.
Identifiers: ClinVar variation 1412767 (VCV001412767.5).

ClinVar aggregate classification (germline): Uncertain significance (1 of 4 stars; one submission).

Submission:

Labcorp Genetics (formerly Invitae), Labcorp
Classification: Uncertain significance. Last evaluated: 2022-08-09. Review status: criteria provided, single submitter. Criteria: Invitae Variant Classification Sherloc (09022015). Collection method: clinical testing. Allele origin: germline.
Comment: In summary, the available evidence is currently insufficient to determine the role of this variant in disease. Therefore, it has been classified as a Variant of Uncertain Significance. Experimental studies and prediction algorithms are not available or were not evaluated, and the functional significance of this variant is currently unknown. This variant has not been reported in the literature in individuals affected with ATPAF2-related conditions. This variant is a gross deletion of the genomic region encompassing exon(s) 5 of the ATPAF2 gene. This variant would be expected to be in-frame, preserving the integrity of the reading frame.